The following is an entry in ClinVar:

NM_031935.3(HMCN1):c.3740C>T (p.Ala1247Val)

Gene: HMCN1 (hemicentin 1; plus strand). Cytogenetic location: 1q31.1.
Variant type: single nucleotide variant.
Coding change: c.3740C>T on transcript NM_031935.3 (MANE Select); coding-DNA position 3740, C replaced by T.
Protein change: p.Ala1247Val; replaces alanine 1247 with valine.
Molecular consequence: missense variant.
Genome position (GRCh38, 1-based): chr1:185,995,049, C>T. VCF-style: chr1-185995049-C-T. GRCh37 (hg19) VCF-style: chr1-185964181-C-T.
Other names: short protein forms A1247V.
Identifiers: ClinVar variation 294136 (VCV000294136.12), dbSNP rs145595000, ClinGen allele CA1291798.
Genomic context (GRCh38, chr1:185,995,049, plus strand): 5'-GCATCGACCAAGCCACGCCCTCAGATGCTGGCATATATACATGTGTTGCTACTAACATAG[C>T]AGGCACTGATGAAACAGAGATAACGCTACATGTCCAAGGTGATTCTTGACACAGGAAAAT-3'
Protein context (NP_114141.2, residues 1237-1257): GIYTCVATNI[Ala1247Val]GTDETEITLH

ClinVar aggregate classification (germline): Conflicting classifications of pathogenicity. Review status: criteria provided, conflicting classifications (1 of 4 stars). 4 submissions from 4 submitters: Uncertain significance (3); Likely benign (1). Last evaluated 2025-12-19.

Conditions:
Age related macular degeneration 1 (ARMD1). Also called: MACULOPATHY, AGE-RELATED, 1. Identifiers: MedGen C1864205, MONDO:0011285, OMIM 603075.
HMCN1-related disorder. Also called: HMCN1-related condition.

Allele frequency attached by ClinVar (database versions not stated): ExAC 0.00022; gnomAD exomes 0.00025 and 0.00034; 1000 Genomes Project 30x 0.00031; ESP Exome Variant Server 0.00031; gnomAD 0.00031 and 0.00032; TOPMed 0.00036; 1000 Genomes Project 0.00040.
gnomAD v4.1: 534 of 1,613,708 alleles (0.033%); highest among the groups gnomAD compares: Admixed American, 0.088%; no homozygotes.

Submissions (4):

Labcorp Genetics (formerly Invitae), Labcorp
Classification: Uncertain significance. Last evaluated: 2025-12-19. Review status: criteria provided, single submitter. Criteria: Invitae Variant Classification Sherloc (09022015). Collection method: clinical testing. Allele origin: germline.
Comment: This sequence change replaces alanine, which is neutral and non-polar, with valine, which is neutral and non-polar, at codon 1247 of the HMCN1 protein (p.Ala1247Val). This variant is present in population databases (rs145595000, gnomAD 0.06%), and has an allele count higher than expected for a pathogenic variant. This variant has not been reported in the literature in individuals affected with HMCN1-related conditions. ClinVar contains an entry for this variant (Variation ID: 294136). An algorithm developed to predict the effect of missense changes on protein structure and function (PolyPhen-2) suggests that this variant is likely to be disruptive. In summary, the available evidence is currently insufficient to determine the role of this variant in disease. Therefore, it has been classified as a Variant of Uncertain Significance.

PreventionGenetics, part of Exact Sciences
Classification: Likely benign for HMCN1-related condition. Last evaluated: 2025-12-11. Review status: criteria provided, single submitter. Criteria: ACMG Guidelines, 2015. Collection method: clinical testing. Allele origin: germline.
Comment: This variant is classified as likely benign based on ACMG/AMP sequence variant interpretation guidelines (Richards et al. 2015 PMID: 25741868, with internal and published modifications).

Genome-Nilou Lab
Classification: Uncertain significance for Age related macular degeneration 1. Last evaluated: 2023-04-11. Review status: criteria provided, single submitter. Criteria: ACMG Guidelines, 2015. Collection method: clinical testing. Allele origin: germline. Affected: no.

Illumina Laboratory Services, Illumina
Classification: Uncertain significance for Age related macular degeneration 1. Last evaluated: 2018-01-12. Review status: criteria provided, single submitter. Criteria: ICSL Variant Classification Criteria 13 December 2019. Collection method: clinical testing. Allele origin: germline.